The following is an entry in ClinVar:

NM_172071.4(RC3H1):c.71C>T (p.Thr24Ile)

Gene: RC3H1 (ring finger and CCCH-type domains 1; minus strand). Cytogenetic location: 1q25.1.
Variant type: single nucleotide variant.
Coding change: c.71C>T on transcript NM_172071.4 (MANE Select); coding-DNA position 71, C replaced by T.
Protein change: p.Thr24Ile; replaces threonine 24 with isoleucine.
Molecular consequence: missense variant.
Genome position (GRCh38, 1-based): chr1:173,992,915, G>A on the plus strand (C>T on the coding strand, the complement: RC3H1 is on the minus strand). VCF-style: chr1-173992915-G-A. GRCh37 (hg19) VCF-style: chr1-173962053-G-A.
Other names: c.71C>T, p.Thr24Ile (NM_001300850.1, NM_001300851.1, NM_001300852.1); short protein forms T24I.
Identifiers: ClinVar variation 3024391 (VCV003024391.2), dbSNP rs2527387814, ClinGen allele CA343780747.

ClinVar aggregate classification (germline): Uncertain significance (1 of 4 stars; one submission).

Conditions:
Hemophagocytic lymphohistiocytosis, familial, 6. Also called: IMMUNE DYSREGULATION AND SYSTEMIC HYPERINFLAMMATION SYNDROME. Identifiers: MedGen C5436563, MONDO:0033557, OMIM 618998.

Submission:

Institute of Human Genetics, University of Leipzig Medical Center
Classification: Uncertain significance for Hemophagocytic lymphohistiocytosis, familial, 6. Last evaluated: 2024-02-20. Review status: criteria provided, single submitter. Criteria: ACMG Guidelines, 2015. Collection method: clinical testing. Allele origin: unknown. Inheritance: Autosomal recessive inheritance. Affected: yes.
Comment: Criteria applied: PM2_SUP,PM3_SUP,PP2,PP3